The following is an entry in ClinVar:

NM_005560.6(LAMA5):c.9228-12_9228-10del

Gene: LAMA5 (laminin subunit alpha 5; minus strand). Cytogenetic location: 20q13.33.
Variant type: Deletion.
Coding change: c.9228-12_9228-10del on transcript NM_005560.6 (MANE Select); 12 bases into the intron before coding-DNA position 9228 through 10 bases into the intron before coding-DNA position 9228, 3 bases deleted (GCT; older notation c.9228-12_9228-10delGCT).
Molecular consequence: intron variant.
Genome position (GRCh38, 1-based): chr20:62,312,542-62,312,544, AGC deleted on the plus strand (GCT on the coding strand, the reverse complement: LAMA5 is on the minus strand). VCF-style (leftmost placement, unchanged base first): chr20-62312541-AAGC-A. GRCh37 (hg19) VCF-style: chr20-60887597-AAGC-A.
Identifiers: ClinVar variation 3031790 (VCV003031790.4), dbSNP rs767931382, ClinGen allele CA9940348.

ClinVar aggregate classification (germline): Likely benign. Review status: criteria provided, single submitter (1 of 4 stars). 2 submissions from 2 submitters: Likely benign (1). 1 of the submissions does not count toward it. Last evaluated 2025-08-27.

Conditions:
LAMA5-related disorder. Also called: LAMA5-Related Disorders; LAMA5-related condition.

Allele frequency attached by ClinVar (database versions not stated): gnomAD exomes 0.00003; TOPMed 0.00025; gnomAD 0.00030; ExAC 0.00011; ESP Exome Variant Server 0.00032.

Submissions (2):

Labcorp Genetics (formerly Invitae), Labcorp
Classification: Likely benign. Last evaluated: 2025-08-27. Review status: criteria provided, single submitter. Criteria: Invitae Variant Classification Sherloc (09022015). Collection method: clinical testing. Allele origin: germline.

PreventionGenetics, part of Exact Sciences
Classification: Likely benign for LAMA5-related condition. Last evaluated: 2023-11-08. Review status: no assertion criteria provided. Collection method: clinical testing. Allele origin: germline. Not counted in ClinVar's aggregate classification.
Comment: This variant is classified as likely benign based on ACMG/AMP sequence variant interpretation guidelines (Richards et al. 2015 PMID: 25741868, with internal and published modifications).